The following is an entry in ClinVar:

NM_014727.3(KMT2B):c.7694G>A (p.Arg2565His)

Gene: KMT2B (lysine methyltransferase 2B; plus strand). Cytogenetic location: 19q13.12.
Variant type: single nucleotide variant.
Coding change: c.7694G>A on transcript NM_014727.3 (MANE Select); coding-DNA position 7694, G replaced by A.
Protein change: p.Arg2565His; replaces arginine 2565 with histidine.
Molecular consequence: missense variant.
Genome position (GRCh38, 1-based): chr19:35,737,894, G>A. VCF-style: chr19-35737894-G-A. GRCh37 (hg19) VCF-style: chr19-36228795-G-A.
Other names: short protein forms R2565H.
Identifiers: ClinVar variation 3383861 (VCV003383861.1).

ClinVar aggregate classification (germline): Uncertain significance (1 of 4 stars; one submission).

Submission:

GeneDx
Classification: Uncertain significance. Last evaluated: 2024-05-30. Review status: criteria provided, single submitter. Criteria: GeneDx Variant Classification Process June 2021. Collection method: clinical testing. Allele origin: germline. Affected: yes.
Comment: Not observed at significant frequency in large population cohorts (gnomAD); In silico analysis supports that this missense variant has a deleterious effect on protein structure/function; Has not been previously published as pathogenic or benign to our knowledge.